The following is an entry in ClinVar:

NM_138694.4(PKHD1):c.10957delinsTG (p.Met3653fs)

Gene: PKHD1 (PKHD1 ciliary IPT domain containing fibrocystin/polyductin; minus strand). Cytogenetic location: 6p12.3.
Variant type: Indel.
Coding change: c.10957delinsTG on transcript NM_138694.4 (MANE Select); coding-DNA position 10957, A replaced by TG.
Protein change: p.Met3653fs; shifts the reading frame from methionine 3653.
Molecular consequence: frameshift variant.
Genome position (GRCh38, 1-based): chr6:51,659,169, T replaced by CA on the plus strand (A replaced by TG on the coding strand, the reverse complement: PKHD1 is on the minus strand). VCF-style: chr6-51659169-T-CA. GRCh37 (hg19) VCF-style: chr6-51523967-T-CA.
Other names: c.10957delAinsTG (NM_138694.3); short protein forms M3653fs.
Identifiers: ClinVar variation 3593739 (VCV003593739.2).

ClinVar aggregate classification (germline): Likely pathogenic. Review status: criteria provided, multiple submitters, no conflicts (2 of 4 stars). 2 submissions from 2 submitters: Likely pathogenic (2). Last evaluated 2024-12-30.

Conditions:
Polycystic kidney disease 4 (PKD4). Also called: Autosomal Recessive Polycystic Kidney Disease – PKHD1; PKD3; POLYCYSTIC KIDNEY AND HEPATIC DISEASE 1; POLYCYSTIC KIDNEY DISEASE, INFANTILE, TYPE I; POLYCYSTIC KIDNEY DISEASE 4 WITH OR WITHOUT POLYCYSTIC LIVER DISEASE. Identifiers: MedGen C4540575, MONDO:0033004, OMIM 263200.
Autosomal recessive polycystic kidney disease (ARPKD). Also called: AR polycystic kidney disease. Identifiers: Orphanet 731, Orphanet 8378, MedGen C0085548, MeSH D017044, MONDO:0009889.

Submissions (2):

Natera, Inc.
Classification: Likely pathogenic for Autosomal recessive polycystic kidney disease. Last evaluated: 2024-12-30. Review status: criteria provided, single submitter. Criteria: Natera Variant Classification Schema (03/2026). Collection method: clinical testing. Allele origin: germline.
Comment: The c.10957delAinsTG variant in PKHD1 is a frameshift variant predicted to shift the reading frame beginning at codon 3653 and leads to a stop codon 13 codons downstream. This variant is expected to result in nonsense mediated decay, truncation, or a dysfunctional protein product. This variant is rare in the general population with a frequency below the threshold expected for the associated phenotype(s). Given the available evidence, this variant is classified as Likely Pathogenic.

Fulgent Genetics
Classification: Likely pathogenic for Polycystic kidney disease 4. Last evaluated: 2024-06-11. Review status: criteria provided, single submitter. Criteria: ACMG Guidelines, 2015. Collection method: clinical testing. Allele origin: germline.